The following is an entry in ClinVar:

NM_181882.3(PRX):c.2252C>T (p.Ser751Leu)

Gene: PRX (periaxin; minus strand). Cytogenetic location: 19q13.2.
Variant type: single nucleotide variant.
Coding change: c.2252C>T on transcript NM_181882.3 (MANE Select); coding-DNA position 2252, C replaced by T.
Protein change: p.Ser751Leu; replaces serine 751 with leucine.
Molecular consequence: missense variant. On other transcripts: 3 prime UTR variant (1).
Genome position (GRCh38, 1-based): chr19:40,396,100, G>A on the plus strand (C>T on the coding strand, the complement: PRX is on the minus strand). VCF-style: chr19-40396100-G-A. GRCh37 (hg19) VCF-style: chr19-40902007-G-A.
Other names: c.*2457C>T (NM_020956.2); short protein forms S751L.
Identifiers: ClinVar variation 916911 (VCV000916911.9), dbSNP rs570569581, ClinGen allele CA9444098.

ClinVar aggregate classification (germline): Uncertain significance. Review status: criteria provided, multiple submitters, no conflicts (2 of 4 stars). 3 submissions from 3 submitters: Uncertain significance (3). Last evaluated 2023-06-15.

Conditions:
Charcot-Marie-Tooth disease. Also called: Charcot-Marie-Tooth Hereditary Neuropathy; Charcot-Marie-Tooth Neuropathy. Identifiers: Orphanet 166, MedGen C0007959, MONDO:0015626.
Charcot-Marie-Tooth disease type 4. Also called: Charcot-Marie-Tooth, Type 4; Charcot-Marie-Tooth disease, type IV. Identifiers: Orphanet 64749, MedGen C4082197, MONDO:0018995.

Allele frequency attached by ClinVar (database versions not stated): gnomAD 0.00001 and 0.00007; TOPMed 0.00001; gnomAD exomes 0.00008 and 0.00018; ExAC 0.00023; 1000 Genomes Project 0.00060; 1000 Genomes Project 30x 0.00062.
gnomAD v4.1: 131 of 1,614,198 alleles (0.0081%); highest among the groups gnomAD compares: South Asian, 0.14%; 1 homozygote.

Submissions (3):

Athena Diagnostics
Classification: Uncertain significance. Last evaluated: 2023-06-15. Review status: criteria provided, single submitter. Criteria: Athena Diagnostics Criteria. Collection method: clinical testing. Allele origin: unknown.
Comment: Available data are insufficient to determine the clinical significance of the variant at this time. The frequency of this variant in the general population is higher than would generally be expected for pathogenic variants in this gene. Computational tools disagree on the variant's effect on normal protein function.

Labcorp Genetics (formerly Invitae), Labcorp
Classification: Uncertain significance for Charcot-Marie-Tooth disease type 4. Last evaluated: 2022-04-11. Review status: criteria provided, single submitter. Criteria: Invitae Variant Classification Sherloc (09022015). Collection method: clinical testing. Allele origin: germline.
Comment: This sequence change replaces serine, which is neutral and polar, with leucine, which is neutral and non-polar, at codon 751 of the PRX protein (p.Ser751Leu). This variant is present in population databases (rs570569581, gnomAD 0.1%). This variant has not been reported in the literature in individuals affected with PRX-related conditions. ClinVar contains an entry for this variant (Variation ID: 916911). Algorithms developed to predict the effect of missense changes on protein structure and function are either unavailable or do not agree on the potential impact of this missense change (SIFT: "Tolerated"; PolyPhen-2: "Possibly Damaging"; Align-GVGD: "Class C0"). In summary, the available evidence is currently insufficient to determine the role of this variant in disease. Therefore, it has been classified as a Variant of Uncertain Significance.

Molecular Genetics Laboratory, London Health Sciences Centre
Classification: Uncertain significance for Charcot-Marie-Tooth disease. Review status: criteria provided, single submitter. Criteria: ACMG Guidelines, 2015. Collection method: clinical testing. Allele origin: germline. Affected: yes.